The following is an entry in ClinVar:

ClinVar aggregate classification (germline): Uncertain significance (1 of 4 stars; one submission).

Conditions:
Hypertrophic cardiomyopathy. Also called: HYPERTROPHIC MYOCARDIOPATHY. Identifiers: Orphanet 217569, MedGen C0007194, MeSH D002312, MONDO:0005045, HP:0001639.

Submission:

All of Us Research Program, National Institutes of Health
Classification: Uncertain significance for Hypertrophic cardiomyopathy. Last evaluated: 2024-05-30. Review status: criteria provided, single submitter. Criteria: ACMG Guidelines, 2015. Collection method: clinical testing. Allele origin: germline. Inheritance: Autosomal dominant inheritance. Observed: 1 variant allele, 1 heterozygote.
Comment: This variant causes a G to T nucleotide substitution at the +3 position of intron 2 of the TNNI3 gene. Splice site prediction tools are inconclusive regarding the impact of this variant on RNA splicing. To our knowledge, RNA studies have not been reported for this variant. This variant has not been reported in individuals affected with TNNI3-related disorders in the literature. This variant has not been identified in the general population by the Genome Aggregation Database (gnomAD). The available evidence is insufficient to determine the role of this variant in disease conclusively. Therefore, this variant is classified as a Variant of Uncertain Significance.

This study involves interpretation of variants in research participants for the purpose of population health screening. Participant phenotype was not available at the time of variant classification. Additional details can be found in publication PMID: 35346344, PMCID: PMC8962531

NM_000363.5(TNNI3):c.24+3G>T

Gene: TNNI3 (troponin I3, cardiac type; minus strand). Cytogenetic location: 19q13.42.
Variant type: single nucleotide variant.
Coding change: c.24+3G>T on transcript NM_000363.5 (MANE Select); 3 bases into the intron after coding-DNA position 24, G replaced by T.
Molecular consequence: intron variant.
Genome position (GRCh38, 1-based): chr19:55,157,293, C>A on the plus strand (G>T on the coding strand, the complement: TNNI3 is on the minus strand). VCF-style: chr19-55157293-C-A. GRCh37 (hg19) VCF-style: chr19-55668661-C-A.
Identifiers: ClinVar variation 3386108 (VCV003386108.1).